The following is an entry in ClinVar:

ClinVar aggregate classification (germline): Uncertain significance. Review status: criteria provided, multiple submitters, no conflicts (2 of 4 stars). 3 submissions from 3 submitters: Uncertain significance (3). Last evaluated 2026-01-27.

Allele frequency attached by ClinVar (database versions not stated): ExAC 0.00006; gnomAD exomes 0.00006 and 0.00010; TOPMed 0.00006; gnomAD 0.00007; ESP Exome Variant Server 0.00008.

Submissions (3):

Labcorp Genetics (formerly Invitae), Labcorp
Classification: Uncertain significance. Last evaluated: 2026-01-27. Review status: criteria provided, single submitter. Criteria: Invitae Variant Classification Sherloc (09022015). Collection method: clinical testing. Allele origin: germline.
Comment: This sequence change replaces glutamine, which is neutral and polar, with proline, which is neutral and non-polar, at codon 114 of the SNAI2 protein (p.Gln114Pro). This variant is present in population databases (rs200288712, gnomAD 0.05%). This variant has not been reported in the literature in individuals affected with SNAI2-related conditions. ClinVar contains an entry for this variant (Variation ID: 805490). An algorithm developed to predict the effect of missense changes on protein structure and function (PolyPhen-2) suggests that this variant is likely to be tolerated. In summary, the available evidence is currently insufficient to determine the role of this variant in disease. Therefore, it has been classified as a Variant of Uncertain Significance.

Ambry Genetics
Classification: Uncertain significance. Last evaluated: 2023-01-20. Review status: criteria provided, single submitter. Criteria: Ambry Variant Classification Scheme 2023. Collection method: clinical testing. Allele origin: germline.

Athena Diagnostics
Classification: Uncertain significance. Last evaluated: 2018-11-27. Review status: criteria provided, single submitter. Criteria: Athena Diagnostics Criteria. Collection method: clinical testing. Allele origin: germline.

NM_003068.5(SNAI2):c.341A>C (p.Gln114Pro)

Gene: SNAI2 (snail family transcriptional repressor 2; minus strand). Cytogenetic location: 8q11.21.
Variant type: single nucleotide variant.
Coding change: c.341A>C on transcript NM_003068.5 (MANE Select); coding-DNA position 341, A replaced by C.
Protein change: p.Gln114Pro; replaces glutamine 114 with proline.
Molecular consequence: missense variant.
Genome position (GRCh38, 1-based): chr8:48,920,180, T>G on the plus strand (A>C on the coding strand, the complement: SNAI2 is on the minus strand). VCF-style: chr8-48920180-T-G. GRCh37 (hg19) VCF-style: chr8-49832739-T-G.
Other names: short protein forms Q114P.
Identifiers: ClinVar variation 805490 (VCV000805490.6), dbSNP rs200288712, ClinGen allele CA4743511.
Genomic context (GRCh38, chr8:48,920,180, plus strand): 5'-TTGCATAAATTGCACTGAAACTTTTCAGCTTCAATGGCATGGGGGTCTGAAAGCTTGGAC[T>G]GTAGTCTTTCCTCTTCATCACTAATGGGGCTTTCTGAGCCACTGTGGTCCTTGGAGGAGG-3'
Protein context (NP_003059.1, residues 104-124): SPISDEEERL[Gln114Pro]SKLSDPHAIE